The following is an entry in ClinVar:

ClinVar aggregate classification (germline): Uncertain significance (1 of 4 stars; one submission).

Conditions:
Kabuki syndrome. Also called: Kabuki make-up syndrome; NIIKAWA-KUROKI SYNDROME. Identifiers: Orphanet 2322, MedGen C0796004, MONDO:0016512.

Allele frequency attached by ClinVar (database versions not stated): gnomAD exomes below 0.00001.
gnomAD v4.1: 1 of 1,614,014 alleles (0.000062%); highest among the groups gnomAD compares: Admixed American, 0.0017%; no homozygotes.

Submission:

Labcorp Genetics (formerly Invitae), Labcorp
Classification: Uncertain significance for Kabuki syndrome. Last evaluated: 2024-01-04. Review status: criteria provided, single submitter. Criteria: Invitae Variant Classification Sherloc (09022015). Collection method: clinical testing. Allele origin: germline.
Comment: This sequence change replaces glutamic acid, which is acidic and polar, with glycine, which is neutral and non-polar, at codon 1816 of the KMT2D protein (p.Glu1816Gly). This variant is not present in population databases (gnomAD no frequency). This variant has not been reported in the literature in individuals affected with KMT2D-related conditions. ClinVar contains an entry for this variant (Variation ID: 2113876). Advanced modeling of protein sequence and biophysical properties (such as structural, functional, and spatial information, amino acid conservation, physicochemical variation, residue mobility, and thermodynamic stability) performed at Invitae indicates that this missense variant is not expected to disrupt KMT2D protein function with a negative predictive value of 95%. In summary, the available evidence is currently insufficient to determine the role of this variant in disease. Therefore, it has been classified as a Variant of Uncertain Significance.

NM_003482.4(KMT2D):c.5447A>G (p.Glu1816Gly)

Gene: KMT2D (lysine methyltransferase 2D; minus strand). Cytogenetic location: 12q13.12.
Variant type: single nucleotide variant.
Coding change: c.5447A>G on transcript NM_003482.4 (MANE Select); coding-DNA position 5447, A replaced by G.
Protein change: p.Glu1816Gly; replaces glutamic acid 1816 with glycine.
Molecular consequence: missense variant.
Genome position (GRCh38, 1-based): chr12:49,043,655, T>C on the plus strand (A>G on the coding strand, the complement: KMT2D is on the minus strand). VCF-style: chr12-49043655-T-C. GRCh37 (hg19) VCF-style: chr12-49437438-T-C.
Other names: short protein forms E1816G.
Identifiers: ClinVar variation 2113876 (VCV002113876.4), dbSNP rs1009285223, ClinGen allele CA236612885.